The following is an entry in ClinVar:

ClinVar aggregate classification (germline): Uncertain significance (1 of 4 stars; one submission).

gnomAD v4.1: 1 of 1,613,670 alleles (0.000062%); highest among the groups gnomAD compares: Non-Finnish European, 0.000085%; no homozygotes.

Submission:

Labcorp Genetics (formerly Invitae), Labcorp
Classification: Uncertain significance. Last evaluated: 2022-08-03. Review status: criteria provided, single submitter. Criteria: Invitae Variant Classification Sherloc (09022015). Collection method: clinical testing. Allele origin: germline.
Comment: This sequence change replaces serine, which is neutral and polar, with tryptophan, which is neutral and slightly polar, at codon 56 of the SEPT9 protein (p.Ser56Trp). In summary, the available evidence is currently insufficient to determine the role of this variant in disease. Therefore, it has been classified as a Variant of Uncertain Significance. Algorithms developed to predict the effect of missense changes on protein structure and function are either unavailable or do not agree on the potential impact of this missense change (SIFT: "Deleterious"; PolyPhen-2: "Possibly Damaging"; Align-GVGD: "Class C0"). This variant has not been reported in the literature in individuals affected with SEPT9-related conditions. This variant is not present in population databases (gnomAD no frequency).

NM_001113491.2(SEPTIN9):c.221C>G (p.Ser74Trp)

Gene: SEPTIN9 (septin 9; plus strand). Cytogenetic location: 17q25.3.
Variant type: single nucleotide variant.
Coding change: c.221C>G on transcript NM_001113491.2 (MANE Select); coding-DNA position 221, C replaced by G.
Protein change: p.Ser74Trp; replaces serine 74 with tryptophan.
Molecular consequence: missense variant. On other transcripts: 5 prime UTR variant (2).
Genome position (GRCh38, 1-based): chr17:77,402,203, C>G. VCF-style: chr17-77402203-C-G. GRCh37 (hg19) VCF-style: chr17-75398285-C-G.
Other names: c.-272C>G (NM_001113492.2, NM_001113494.1); c.200C>G, p.Ser67Trp (NM_001113493.2); c.164C>G, p.Ser55Trp (NM_001293695.2); c.167C>G, p.Ser56Trp (NM_006640.5); short protein forms S55W, S56W, S67W, S74W.
Identifiers: ClinVar variation 2445583 (VCV002445583.4), dbSNP rs373496854, ClinGen allele CA401205740.